The following is an entry in ClinVar:

ClinVar aggregate classification (germline): Likely pathogenic (1 of 4 stars; one submission).

Conditions:
Cerebrooculofacioskeletal syndrome 3 (COFS3). Identifiers: MedGen C1851443, MONDO:0014696, OMIM 616570.

Allele frequency attached by ClinVar (database versions not stated): gnomAD exomes below 0.00001.

Submission:

Women's Health and Genetics/Laboratory Corporation of America, LabCorp
Classification: Likely pathogenic for Cerebrooculofacioskeletal syndrome 3. Last evaluated: 2021-08-19. Review status: criteria provided, single submitter. Criteria: LabCorp Variant Classification Summary - May 2015. Collection method: clinical testing. Allele origin: germline.
Comment: Variant summary: ERCC5 c.1068delC (p.Ser357GlnfsX22) results in a premature termination codon, predicted to cause a truncation of the encoded protein or absence of the protein due to nonsense mediated decay, which are commonly known mechanisms for disease. Truncations downstream of this position have been classified as pathogenic by our laboratory and in the HGMD database. The variant allele was found at a frequency of 4e-06 in 251196 control chromosomes. To our knowledge, no occurrence of c.1068delC in individuals affected with Xeroderma pigmentosum or Cerebrooculofacioskeletal Syndrome 3 and no experimental evidence demonstrating its impact on protein function have been reported. No clinical diagnostic laboratories have submitted clinical-significance assessments for this variant to ClinVar after 2014. Based on the evidence outlined above, the variant was classified as likely pathogenic.

NM_000123.4(ERCC5):c.1068del (p.Ser357fs)

Genes: BIVM-ERCC5 (BIVM-ERCC5 readthrough; plus strand), ERCC5 (ERCC excision repair 5, endonuclease; plus strand). Cytogenetic location: 13q33.1.
Variant type: Deletion.
Coding change: c.1068del on transcript NM_000123.4 (MANE Select); coding-DNA position 1068, one base deleted (C; older notation c.1068delC).
Protein change: p.Ser357fs; shifts the reading frame from serine 357.
Molecular consequence: frameshift variant.
Genome position (GRCh38, 1-based): chr13:102,862,217, C deleted. VCF-style (leftmost placement, unchanged base first): chr13-102862216-GC-G. GRCh37 (hg19) VCF-style: chr13-103514566-GC-G.
Other names: c.2430del, p.Ser811fs (NM_001204425.2); short protein forms S357fs, S811fs.
Identifiers: ClinVar variation 1217258 (VCV001217258.1), dbSNP rs1325131028, ClinGen allele CA612360335.